The following is an entry in ClinVar:

NM_002447.4(MST1R):c.18G>A (p.Pro6=)

Gene: MST1R (macrophage stimulating 1 receptor; minus strand). Cytogenetic location: 3p21.31.
Variant type: single nucleotide variant.
Coding change: c.18G>A on transcript NM_002447.4 (MANE Select); coding-DNA position 18, G replaced by A.
Protein change: p.Pro6=; no amino-acid change (proline 6 retained).
Molecular consequence: synonymous variant. On other transcripts: non-coding transcript variant (1).
Genome position (GRCh38, 1-based): chr3:49,903,592, C>T on the plus strand (G>A on the coding strand, the complement: MST1R is on the minus strand). VCF-style: chr3-49903592-C-T. GRCh37 (hg19) VCF-style: chr3-49941025-C-T.
Other names: c.18G>A, p.Pro6= (NM_001244937.3, NM_001318913.2).
Identifiers: ClinVar variation 3035911 (VCV003035911.2), dbSNP rs145591334, ClinGen allele CA2409573.

ClinVar aggregate classification (germline): Likely benign (0 of 4 stars; one submission).

Conditions:
MST1R-related disorder. Also called: MST1R-related condition.

Allele frequency attached by ClinVar (database versions not stated): gnomAD exomes 0.00006; ExAC 0.00023; 1000 Genomes Project 0.00040; ESP Exome Variant Server 0.00062; gnomAD 0.00072; 1000 Genomes Project 30x 0.00078; TOPMed 0.00086.
gnomAD v4.1: 205 of 1,565,394 alleles (0.013%); highest among the groups gnomAD compares: African/African-American, 0.25%; no homozygotes.

Submission:

PreventionGenetics, part of Exact Sciences
Classification: Likely benign for MST1R-related condition. Last evaluated: 2019-07-29. Review status: no assertion criteria provided. Collection method: clinical testing. Allele origin: germline.
Comment: This variant is classified as likely benign based on ACMG/AMP sequence variant interpretation guidelines (Richards et al. 2015 PMID: 25741868, with internal and published modifications).